The following is an entry in ClinVar:

ClinVar aggregate classification (germline): Uncertain significance (1 of 4 stars; one submission).

Submission:

Dasa
Classification: Uncertain significance. Last evaluated: 2024-06-29. Review status: criteria provided, single submitter. Criteria: DASA Assertion Criteria. Collection method: clinical testing. Allele origin: germline.
Comment: NM_004606.5(TAF1):c.2701-4C>G is a splice-region variant. This variant is rare in population databases. Computational prediction algorithms are consistent with a benign effect. The currently available literature and clinical evidence are not sufficient to establish a definitive association between this variant and the reported condition. Therefore, this variant is classified as a variant of uncertain significance.

NM_004606.5(TAF1):c.2701-4C>G

Gene: TAF1 (TATA-box binding protein associated factor 1; plus strand). Cytogenetic location: Xq13.1.
Variant type: single nucleotide variant.
Coding change: c.2701-4C>G on transcript NM_004606.5 (MANE Select); 4 bases into the intron before coding-DNA position 2701, C replaced by G.
Molecular consequence: intron variant.
Genome position (GRCh38, 1-based): chrX:71,389,581, C>G. VCF-style: chrX-71389581-C-G. GRCh37 (hg19) VCF-style: chrX-70609431-C-G.
Other names: c.2701-4C>G (NM_001440852.1, NM_001440853.1, NM_001286074.2); c.2638-4C>G (NM_001440854.1, NM_138923.4).
Identifiers: ClinVar variation 4882254 (VCV004882254.2).